The following is an entry in ClinVar:

ClinVar aggregate classification (germline): Uncertain significance (1 of 4 stars; one submission).

gnomAD v4.1: 1 of 1,211,643 alleles (0.000083%); highest among the groups gnomAD compares: Admixed American, 0.0022%; no homozygotes.

Submission:

Labcorp Genetics (formerly Invitae), Labcorp
Classification: Uncertain significance. Last evaluated: 2023-07-07. Review status: criteria provided, single submitter. Criteria: Invitae Variant Classification Sherloc (09022015). Collection method: clinical testing. Allele origin: germline.
Comment: In summary, the available evidence is currently insufficient to determine the role of this variant in disease. Therefore, it has been classified as a Variant of Uncertain Significance. This sequence change replaces alanine, which is neutral and non-polar, with glycine, which is neutral and non-polar, at codon 820 of the TAF1 protein (p.Ala820Gly). This variant is not present in population databases (gnomAD no frequency). This variant has not been reported in the literature in individuals affected with TAF1-related conditions. An algorithm developed to predict the effect of missense changes on protein structure and function (PolyPhen-2) suggests that this variant is likely to be disruptive.

NM_004606.5(TAF1):c.2399C>G (p.Ala800Gly)

Gene: TAF1 (TATA-box binding protein associated factor 1; plus strand). Cytogenetic location: Xq13.1.
Variant type: single nucleotide variant.
Coding change: c.2399C>G on transcript NM_004606.5 (MANE Select); coding-DNA position 2399, C replaced by G.
Protein change: p.Ala800Gly; replaces alanine 800 with glycine.
Molecular consequence: missense variant. On other transcripts: non-coding transcript variant (9).
Genome position (GRCh38, 1-based): chrX:71,387,433, C>G. VCF-style: chrX-71387433-C-G. GRCh37 (hg19) VCF-style: chrX-70607283-C-G.
Other names: c.2399C>G, p.Ala800Gly (NM_001286074.2); c.2336C>G, p.Ala779Gly (NM_138923.4); short protein forms A779G, A800G.
Identifiers: ClinVar variation 3017362 (VCV003017362.3), dbSNP rs2520282186, ClinGen allele CA413519123.